The following is an entry in ClinVar:

ClinVar aggregate classification (germline): Uncertain significance. Review status: criteria provided, multiple submitters, no conflicts (2 of 4 stars). 3 submissions from 3 submitters: Uncertain significance (3). Last evaluated 2025-05-13.

Conditions:
Inborn genetic diseases. Identifiers: MedGen C0950123, MeSH D030342.
Ehlers-Danlos syndrome, dermatosparaxis type. Also called: EDS VIIC; Ehlers-Danlos syndrome, type VII, autosomal recessive; Dermatosparaxis. Identifiers: Orphanet 1901, MedGen C2700425, MONDO:0009161, OMIM 225410.

Allele frequency attached by ClinVar (database versions not stated): TOPMed below 0.00001; ExAC 0.00004; ESP Exome Variant Server 0.00008.

Submissions (3):

Women's Health and Genetics/Laboratory Corporation of America, LabCorp
Classification: Uncertain significance. Last evaluated: 2025-05-13. Review status: criteria provided, single submitter. Criteria: LabCorp Variant Classification Summary - May 2015. Collection method: clinical testing. Allele origin: germline.
Comment: Variant summary: ADAMTS2 c.2377G>A (p.Val793Met) results in a conservative amino acid change in the encoded protein sequence. Algorithms developed to predict the effect of missense changes on protein structure and function are either unavailable or do not agree on the potential impact of this missense change. The variant allele was found at a frequency of 2e-05 in 251226 control chromosomes. The available data on variant occurrences in the general population are insufficient to allow any conclusion about variant significance. To our knowledge, no occurrence of c.2377G>A in individuals affected with Ehlers-Danlos syndrome, dermatosparaxis type and no experimental evidence demonstrating its impact on protein function have been reported. ClinVar contains an entry for this variant (Variation ID: 2090687). Based on the evidence outlined above, the variant was classified as uncertain significance.

Ambry Genetics
Classification: Uncertain significance for Inborn genetic diseases. Last evaluated: 2025-03-20. Review status: criteria provided, single submitter. Criteria: Ambry Variant Classification Scheme 2023. Collection method: clinical testing. Allele origin: germline.

Labcorp Genetics (formerly Invitae), Labcorp
Classification: Uncertain significance for Ehlers-Danlos syndrome, dermatosparaxis type. Last evaluated: 2021-09-01. Review status: criteria provided, single submitter. Criteria: Invitae Variant Classification Sherloc (09022015). Collection method: clinical testing. Allele origin: germline.
Comment: This sequence change replaces valine with methionine at codon 793 of the ADAMTS2 protein (p.Val793Met). The valine residue is highly conserved and there is a small physicochemical difference between valine and methionine. This variant is present in population databases (rs376114174, ExAC 0.01%). This variant has not been reported in the literature in individuals affected with ADAMTS2-related conditions. Algorithms developed to predict the effect of missense changes on protein structure and function are either unavailable or do not agree on the potential impact of this missense change (SIFT: "Deleterious"; PolyPhen-2: "Possibly Damaging"; Align-GVGD: "Class C15"). In summary, the available evidence is currently insufficient to determine the role of this variant in disease. Therefore, it has been classified as a Variant of Uncertain Significance.

NM_014244.5(ADAMTS2):c.2377G>A (p.Val793Met)

Gene: ADAMTS2 (ADAM metallopeptidase with thrombospondin type 1 motif 2; minus strand). Cytogenetic location: 5q35.3.
Variant type: single nucleotide variant.
Coding change: c.2377G>A on transcript NM_014244.5 (MANE Select); coding-DNA position 2377, G replaced by A.
Protein change: p.Val793Met; replaces valine 793 with methionine.
Molecular consequence: missense variant.
Genome position (GRCh38, 1-based): chr5:179,130,012, C>T on the plus strand (G>A on the coding strand, the complement: ADAMTS2 is on the minus strand). VCF-style: chr5-179130012-C-T. GRCh37 (hg19) VCF-style: chr5-178557013-C-T.
Other names: short protein forms V793M.
Identifiers: ClinVar variation 2090687 (VCV002090687.4), dbSNP rs376114174, ClinGen allele CA3595577.